The following is an entry in ClinVar:

ClinVar aggregate classification (germline): Likely benign (1 of 4 stars; one submission).

Allele frequency attached by ClinVar (database versions not stated): 1000 Genomes Project 30x 0.00906; 1000 Genomes Project 0.00938; TOPMed 0.01674; gnomAD 0.02120 and 0.02170.
gnomAD v4.1: 3,196 of 152,166 alleles (2.1%); highest among the groups gnomAD compares: Non-Finnish European, 3.2%; 51 homozygotes.

Submission:

GeneDx
Classification: Likely benign. Last evaluated: 2018-06-14. Review status: criteria provided, single submitter. Criteria: GeneDx Variant Classification (06012015). Collection method: clinical testing. Allele origin: germline. Affected: yes.
Comment: This variant is considered likely benign or benign based on one or more of the following criteria: it is a conservative change, it occurs at a poorly conserved position in the protein, it is predicted to be benign by multiple in silico algorithms, and/or has population frequency not consistent with disease.

NM_001127222.2(CACNA1A):c.3090-324C>T

Gene: CACNA1A (calcium voltage-gated channel subunit alpha1 A; minus strand). Cytogenetic location: 19p13.13.
Variant type: single nucleotide variant.
Coding change: c.3090-324C>T on transcript NM_001127222.2 (MANE Select); 324 bases into the intron before coding-DNA position 3090, C replaced by T.
Molecular consequence: intron variant.
Genome position (GRCh38, 1-based): chr19:13,287,290, G>A on the plus strand (C>T on the coding strand, the complement: CACNA1A is on the minus strand). VCF-style: chr19-13287290-G-A. GRCh37 (hg19) VCF-style: chr19-13398104-G-A.
Other names: c.3093-324C>T (NM_001127221.2, NM_001174080.2); c.3102-324C>T (NM_000068.4, NM_023035.3).
Identifiers: ClinVar variation 669943 (VCV000669943.1), dbSNP rs139596014, ClinGen allele CA14683797.